The following is an entry in ClinVar:

NM_000038.6(APC):c.4729G>T (p.Glu1577Ter)

Gene: APC (APC regulator of Wnt signaling pathway; plus strand). Cytogenetic location: 5q22.2.
Variant type: single nucleotide variant.
Coding change: c.4729G>T on transcript NM_000038.6 (MANE Select); coding-DNA position 4729, G replaced by T.
Protein change: p.Glu1577Ter; replaces glutamic acid 1577 with a stop codon.
Molecular consequence: nonsense. On other transcripts: non-coding transcript variant (2).
Genome position (GRCh38, 1-based): chr5:112,840,323, G>T. VCF-style: chr5-112840323-G-T. GRCh37 (hg19) VCF-style: chr5-112176020-G-T.
Other names: c.4729G>T, p.Glu1577Ter (NM_001127510.3, NM_001354895.2, NM_001407450.1); c.4675G>T, p.Glu1559Ter (NM_001127511.3); c.4783G>T, p.Glu1595Ter (NM_001354896.2, NM_001407447.1, NM_001407448.1 and 1 more transcripts); c.4759G>T, p.Glu1587Ter (NM_001354897.2); c.4654G>T, p.Glu1552Ter (NM_001354898.2); c.4645G>T, p.Glu1549Ter (NM_001354899.2); c.4606G>T, p.Glu1536Ter (NM_001354900.2); c.4552G>T, p.Glu1518Ter (NM_001354901.2, NM_001407453.1); and 11 more; short protein forms E1193*, E1294*, E1417*, E1448*, E1451*, E1476*, E1486*, E1494*.
Identifiers: ClinVar variation 2583909 (VCV002583909.2), dbSNP rs1356068619, ClinGen allele CA16031704.

ClinVar aggregate classification (germline): Pathogenic (1 of 4 stars; one submission).

Conditions:
Familial adenomatous polyposis 1 (FAP1). Also called: FAMILIAL ADENOMATOUS POLYPOSIS 1, ATTENUATED; POLYPOSIS, ADENOMATOUS INTESTINAL. Identifiers: MedGen C2713442, MONDO:0021056, OMIM 175100. Disease mechanism: loss of function.

Submission:

Myriad Genetics, Inc.
Classification: Pathogenic for Familial adenomatous polyposis 1. Last evaluated: 2023-05-11. Review status: criteria provided, single submitter. Criteria: Myriad Autosomal Dominant, Autosomal Recessive and X-Linked Classification Criteria (2023). Collection method: clinical testing. Allele origin: unknown.
Comment: This variant is considered pathogenic. This variant creates a termination codon and is predicted to result in premature protein truncation.